The following is an entry in ClinVar:

ClinVar aggregate classification (germline): Uncertain significance. Review status: criteria provided, multiple submitters, no conflicts (2 of 4 stars). 2 submissions from 2 submitters: Uncertain significance (2). Last evaluated 2024-08-26.

Conditions:
Hereditary cancer-predisposing syndrome. Also called: Tumor predisposition; Neoplastic Syndromes, Hereditary; Hereditary neoplastic syndrome; Hereditary Cancer Syndrome. Identifiers: Orphanet 140162, MedGen C0027672, MeSH D009386, MONDO:0015356.
Ataxia-telangiectasia syndrome (AT). Also called: Ataxia-telangiectasia, complementation group D; AT, COMPLEMENTATION GROUP C; ATAXIA-TELANGIECTASIA, COMPLEMENTATION GROUP A; ATAXIA-TELANGIECTASIA, FRESNO VARIANT; Ataxia telangiectasia (A-T); Ataxia-telangiectasia. Identifiers: Orphanet 100, MedGen C0004135, MONDO:0008840, OMIM 208900.

Submissions (2):

Ambry Genetics
Classification: Uncertain significance for Hereditary cancer-predisposing syndrome. Last evaluated: 2024-08-26. Review status: criteria provided, single submitter. Criteria: Ambry Variant Classification Scheme 2023. Collection method: clinical testing. Allele origin: germline.
Comment: The p.L1590R variant (also known as c.4769T>G), located in coding exon 30 of the ATM gene, results from a T to G substitution at nucleotide position 4769. The leucine at codon 1590 is replaced by arginine, an amino acid with dissimilar properties. This amino acid position is conserved. In addition, this alteration is predicted to be deleterious by in silico analysis. Based on the available evidence, the clinical significance of this variant remains unclear.

Labcorp Genetics (formerly Invitae), Labcorp
Classification: Uncertain significance for Ataxia-telangiectasia syndrome. Last evaluated: 2022-01-23. Review status: criteria provided, single submitter. Criteria: Invitae Variant Classification Sherloc (09022015). Collection method: clinical testing. Allele origin: germline.
Comment: In summary, the available evidence is currently insufficient to determine the role of this variant in disease. Therefore, it has been classified as a Variant of Uncertain Significance. Advanced modeling of protein sequence and biophysical properties (such as structural, functional, and spatial information, amino acid conservation, physicochemical variation, residue mobility, and thermodynamic stability) performed at Invitae indicates that this missense variant is not expected to disrupt ATM protein function. This variant has not been reported in the literature in individuals affected with ATM-related conditions. This variant is not present in population databases (gnomAD no frequency). This sequence change replaces leucine, which is neutral and non-polar, with arginine, which is basic and polar, at codon 1590 of the ATM protein (p.Leu1590Arg).

NM_000051.4(ATM):c.4769T>G (p.Leu1590Arg)

Gene: ATM (ATM serine/threonine kinase; plus strand). Cytogenetic location: 11q22.3.
Variant type: single nucleotide variant.
Coding change: c.4769T>G on transcript NM_000051.4 (MANE Select); coding-DNA position 4769, T replaced by G.
Protein change: p.Leu1590Arg; replaces leucine 1590 with arginine.
Molecular consequence: missense variant.
Genome position (GRCh38, 1-based): chr11:108,293,470, T>G. VCF-style: chr11-108293470-T-G. GRCh37 (hg19) VCF-style: chr11-108164197-T-G.
Other names: c.4769T>G, p.Leu1590Arg (NM_001351834.2); short protein forms L1590R.
Identifiers: ClinVar variation 2089190 (VCV002089190.5), dbSNP rs2135813944, ClinGen allele CA382535189.